The following is an entry in ClinVar:

ClinVar aggregate classification (germline): Pathogenic (1 of 4 stars; one submission).

Conditions:
Pitt-Hopkins syndrome (PTHS). Also called: ENCEPHALOPATHY, SEVERE EPILEPTIC, WITH AUTONOMIC DYSFUNCTION; MENTAL RETARDATION, SYNDROMAL, WITH INTERMITTENT HYPERVENTILATION. Identifiers: Orphanet 2896, MedGen C1970431, MONDO:0012589, OMIM 610954.

Submission:

Labcorp Genetics (formerly Invitae), Labcorp
Classification: Pathogenic for Pitt-Hopkins syndrome. Last evaluated: 2018-06-10. Review status: criteria provided, single submitter. Criteria: Invitae Variant Classification Sherloc (09022015). Collection method: clinical testing. Allele origin: germline.
Comment: For these reasons, this variant has been classified as Pathogenic. Loss-of-function variants in TCF4 are known to be pathogenic (PMID: 18728071, 22045651). This variant has not been reported in the literature in individuals with TCF4-related disease. This variant is not present in population databases (ExAC no frequency). This sequence change creates a premature translational stop signal (p.His247Glnfs*10) in the TCF4 gene. It is expected to result in an absent or disrupted protein product.

Literature cited by the submitters: PubMed 18728071; PubMed 22045651.

NM_001083962.2(TCF4):c.740dup (p.His247fs)

Gene: TCF4 (transcription factor 4; minus strand). Cytogenetic location: 18q21.2.
Variant type: Duplication.
Coding change: c.740dup on transcript NM_001083962.2 (MANE Select); coding-DNA position 740, one base duplicated (A; older notation c.740dupA).
Protein change: p.His247fs; shifts the reading frame from histidine 247.
Molecular consequence: frameshift variant.
Genome position (GRCh38, 1-based): chr18:55,275,668, T duplicated on the plus strand (A on the coding strand, the reverse complement: TCF4 is on the minus strand). VCF-style (leftmost placement, unchanged base first): chr18-55275667-A-AT. GRCh37 (hg19) VCF-style: chr18-52942898-A-AT.
Other names: c.740dupA (NM_001083962.1); c.1046dup, p.His349fs (NM_001243226.3); c.668dup, p.His223fs (NM_001243227.2, NM_001306207.1, NM_001348217.1 and 9 more transcripts); c.758dup, p.His253fs (NM_001243228.2); c.734dup, p.His245fs (NM_001243230.2); c.614dup, p.His205fs (NM_001243231.2, NM_001348211.2); c.527dup, p.His176fs (NM_001243232.1, NM_001306208.1); c.350dup, p.His117fs (NM_001243233.2, NM_001330605.3, NM_001348212.2 and 1 more transcripts); and 5 more; short protein forms H253fs, H31fs, H245fs, H247fs, H223fs, H246fs, H117fs, H176fs.
Identifiers: ClinVar variation 569100 (VCV000569100.6), dbSNP rs1568620774, ClinGen allele CA891843849.